The following is an entry in ClinVar:

NM_020911.2(PLXNA4):c.3631A>C (p.Lys1211Gln)

Gene: PLXNA4 (plexin A4; minus strand). Cytogenetic location: 7q32.3.
Variant type: single nucleotide variant.
Coding change: c.3631A>C on transcript NM_020911.2 (MANE Select); coding-DNA position 3631, A replaced by C.
Protein change: p.Lys1211Gln; replaces lysine 1211 with glutamine.
Molecular consequence: missense variant.
Genome position (GRCh38, 1-based): chr7:132,180,594, T>G on the plus strand (A>C on the coding strand, the complement: PLXNA4 is on the minus strand). VCF-style: chr7-132180594-T-G. GRCh37 (hg19) VCF-style: chr7-131865353-T-G.
Other names: c.3631A>C, p.Lys1211Gln (NM_001393897.1); short protein forms K1211Q.
Identifiers: ClinVar variation 4998105 (VCV004998105.1).

ClinVar aggregate classification (germline): Uncertain significance (1 of 4 stars; one submission).

Conditions:
PLXNA4-related disorder. Also called: PLXNA4-related condition.

gnomAD v4.1: 2 of 1,614,176 alleles (0.00012%); highest among the groups gnomAD compares: Non-Finnish European, 0.00017%; no homozygotes.

Submission:

PreventionGenetics, part of Exact Sciences
Classification: Uncertain significance for PLXNA4-related condition. Last evaluated: 2025-06-16. Review status: criteria provided, single submitter. Criteria: ACMG Guidelines, 2015. Collection method: clinical testing. Allele origin: germline.
Comment: The PLXNA4 c.3631A>C variant is predicted to result in the amino acid substitution p.Lys1211Gln. To our knowledge, this variant has not been reported in the literature. This variant is reported in 0.0018% of alleles in individuals of European (Non-Finnish) descent in gnomAD. At this time, the clinical significance of this variant is uncertain due to the absence of conclusive functional and genetic evidence.